The following is an entry in ClinVar:

NM_003680.4(YARS1):c.992C>G (p.Pro331Arg)

Gene: YARS1 (tyrosyl-tRNA synthetase 1; minus strand). Cytogenetic location: 1p35.1.
Variant type: single nucleotide variant.
Coding change: c.992C>G on transcript NM_003680.4 (MANE Select); coding-DNA position 992, C replaced by G.
Protein change: p.Pro331Arg; replaces proline 331 with arginine.
Molecular consequence: missense variant.
Genome position (GRCh38, 1-based): chr1:32,782,454, G>C on the plus strand (C>G on the coding strand, the complement: YARS1 is on the minus strand). VCF-style: chr1-32782454-G-C. GRCh37 (hg19) VCF-style: chr1-33248055-G-C.
Other names: short protein forms P331R.
Identifiers: ClinVar variation 2832298 (VCV002832298.3), dbSNP rs2523359388, ClinGen allele CA339683415.
Genomic context (GRCh38, chr1:32,782,454, plus strand): 5'-CTGGCCTTACTCTGCTTTGAGGGATCTGGGTAGGCAGCGCTGGCCAGTTTTTTCAGGGCA[G>C]GGGTATTAAACTTTTCCCGGATTGGATCCAGCAACTTGTTCAGTGCGACTTCAACAGAAT-3'
Protein context (NP_003671.1, residues 321-341): LDPIREKFNT[Pro331Arg]ALKKLASAAY

ClinVar aggregate classification (germline): Uncertain significance (1 of 4 stars; one submission).

Conditions:
Charcot-Marie-Tooth disease dominant intermediate C (CMTDIC). Also called: CHARCOT-MARIE-TOOTH NEUROPATHY, DOMINANT INTERMEDIATE C. Identifiers: Orphanet 100045, MedGen C1842237, MONDO:0012012, OMIM 608323.

Allele frequency attached by ClinVar (database versions not stated): gnomAD exomes below 0.00001.
gnomAD v4.1: 1 of 1,614,102 alleles (0.000062%); highest among the groups gnomAD compares: Non-Finnish European, 0.000085%; no homozygotes.

Submission:

Labcorp Genetics (formerly Invitae), Labcorp
Classification: Uncertain significance for Charcot-Marie-Tooth disease dominant intermediate C. Last evaluated: 2023-01-27. Review status: criteria provided, single submitter. Criteria: Invitae Variant Classification Sherloc (09022015). Collection method: clinical testing. Allele origin: germline.
Comment: This sequence change replaces proline, which is neutral and non-polar, with arginine, which is basic and polar, at codon 331 of the YARS protein (p.Pro331Arg). In summary, the available evidence is currently insufficient to determine the role of this variant in disease. Therefore, it has been classified as a Variant of Uncertain Significance. Advanced modeling of protein sequence and biophysical properties (such as structural, functional, and spatial information, amino acid conservation, physicochemical variation, residue mobility, and thermodynamic stability) has been performed at Invitae for this missense variant, however the output from this modeling did not meet the statistical confidence thresholds required to predict the impact of this variant on YARS protein function. This variant has not been reported in the literature in individuals affected with YARS-related conditions. This variant is not present in population databases (gnomAD no frequency).